The following is an entry in ClinVar:

ClinVar aggregate classification (germline): Benign/Likely benign. Review status: criteria provided, multiple submitters, no conflicts (2 of 4 stars). 3 submissions from 3 submitters: Benign (1); Likely benign (2). Last evaluated 2026-01-27.

Conditions:
MOCOS-related disorder. Also called: MOCOS-related condition.
Xanthinuria type II. Also called: Xanthine dehydrogenase and aldehyde oxidase combined deficiency of; XDH and AOX dual deficiency. Identifiers: Orphanet 3467, Orphanet 93602, MedGen C1863688, MONDO:0011346, OMIM 603592.

Allele frequency attached by ClinVar (database versions not stated): gnomAD exomes 0.00183; ExAC 0.00231; gnomAD 0.00671 and 0.00711; ESP Exome Variant Server 0.00746; 1000 Genomes Project 30x 0.00796; TOPMed 0.00801; 1000 Genomes Project 0.00839.
gnomAD v4.1: 2,021 of 1,614,156 alleles (0.13%); highest among the groups gnomAD compares: African/African-American, 2.3%; 20 homozygotes.

Submissions (3):

Labcorp Genetics (formerly Invitae), Labcorp
Classification: Benign for Xanthinuria type II. Last evaluated: 2026-01-27. Review status: criteria provided, single submitter. Criteria: Invitae Variant Classification Sherloc (09022015). Collection method: clinical testing. Allele origin: germline.

PreventionGenetics, part of Exact Sciences
Classification: Likely benign for MOCOS-related condition. Last evaluated: 2024-11-14. Review status: criteria provided, single submitter. Criteria: ACMG Guidelines, 2015. Collection method: clinical testing. Allele origin: germline.
Comment: This variant is classified as likely benign based on ACMG/AMP sequence variant interpretation guidelines (Richards et al. 2015 PMID: 25741868, with internal and published modifications).

Fulgent Genetics
Classification: Likely benign for Xanthinuria type II. Last evaluated: 2021-07-24. Review status: criteria provided, single submitter. Criteria: ACMG Guidelines, 2015. Collection method: clinical testing. Allele origin: unknown.

NM_017947.4(MOCOS):c.981G>A (p.Ala327=)

Gene: MOCOS (molybdenum cofactor sulfurase; plus strand). Cytogenetic location: 18q12.2.
Variant type: single nucleotide variant.
Coding change: c.981G>A on transcript NM_017947.4 (MANE Select); coding-DNA position 981, G replaced by A.
Protein change: p.Ala327=; no amino-acid change (alanine 327 retained).
Molecular consequence: synonymous variant.
Genome position (GRCh38, 1-based): chr18:36,203,152, G>A. VCF-style: chr18-36203152-G-A. GRCh37 (hg19) VCF-style: chr18-33783115-G-A.
Identifiers: ClinVar variation 787191 (VCV000787191.13), dbSNP rs35497696, ClinGen allele CA8940578.
Genomic context (GRCh38, chr18:36,203,152, plus strand): 5'-CTCCTTACCCCGTGGTTATAGGTTTGAAGATGGCACCATCTCATTCCTTGATGTTATCGC[G>A]CTAAAACATGGATTTGACACCCTAGAGCGCCTCACAGGTCAGTGGACATTTCTATCCCTG-3'
Protein context (NP_060417.4, residues 317-337): DGTISFLDVI[Ala327=]LKHGFDTLER